The following is an entry in ClinVar:

NM_001364905.1(LRBA):c.7411C>T (p.Leu2471Phe)

Gene: LRBA (LPS responsive beige-like anchor protein; minus strand). Cytogenetic location: 4q31.3.
Variant type: single nucleotide variant.
Coding change: c.7411C>T on transcript NM_001364905.1 (MANE Select); coding-DNA position 7411, C replaced by T.
Protein change: p.Leu2471Phe; replaces leucine 2471 with phenylalanine.
Molecular consequence: missense variant.
Genome position (GRCh38, 1-based): chr4:150,325,850, G>A on the plus strand (C>T on the coding strand, the complement: LRBA is on the minus strand). VCF-style: chr4-150325850-G-A. GRCh37 (hg19) VCF-style: chr4-151247002-G-A.
Other names: c.7411C>T, p.Leu2471Phe (NM_001199282.3, NM_001367550.1); c.7444C>T, p.Leu2482Phe (NM_006726.5); short protein forms L2471F, L2482F.
Identifiers: ClinVar variation 1904602 (VCV001904602.7), dbSNP rs1733179786, ClinGen allele CA358601525.

ClinVar aggregate classification (germline): Uncertain significance. Review status: criteria provided, multiple submitters, no conflicts (2 of 4 stars). 2 submissions from 2 submitters: Uncertain significance (2). Last evaluated 2023-03-20.

Conditions:
Inborn genetic diseases. Identifiers: MedGen C0950123, MeSH D030342.
Combined immunodeficiency due to LRBA deficiency. Also called: Common variable immunodeficiency 8, with autoimmunity. Identifiers: Orphanet 445018, MedGen C3553512, MONDO:0013863, OMIM 614700.

Allele frequency attached by ClinVar (database versions not stated): gnomAD 0.00001; gnomAD exomes 0.00001; TOPMed 0.00001.
gnomAD v4.1: 9 of 1,613,468 alleles (0.00056%); highest among the groups gnomAD compares: African/African-American, 0.004%; no homozygotes.

Submissions (2):

Ambry Genetics
Classification: Uncertain significance for Inborn genetic diseases. Last evaluated: 2023-03-20. Review status: criteria provided, single submitter. Criteria: Ambry Variant Classification Scheme 2023. Collection method: clinical testing. Allele origin: germline.

Labcorp Genetics (formerly Invitae), Labcorp
Classification: Uncertain significance for Combined immunodeficiency due to LRBA deficiency. Last evaluated: 2022-02-19. Review status: criteria provided, single submitter. Criteria: Invitae Variant Classification Sherloc (09022015). Collection method: clinical testing. Allele origin: germline.
Comment: In summary, the available evidence is currently insufficient to determine the role of this variant in disease. Therefore, it has been classified as a Variant of Uncertain Significance. Algorithms developed to predict the effect of missense changes on protein structure and function are either unavailable or do not agree on the potential impact of this missense change (SIFT: "Tolerated"; PolyPhen-2: "Probably Damaging"; Align-GVGD: "Class C0"). This variant has not been reported in the literature in individuals affected with LRBA-related conditions. This variant is not present in population databases (gnomAD no frequency). This sequence change replaces leucine, which is neutral and non-polar, with phenylalanine, which is neutral and non-polar, at codon 2482 of the LRBA protein (p.Leu2482Phe).